The following is an entry in ClinVar:

ClinVar aggregate classification (germline): Uncertain significance (1 of 4 stars; one submission).

Submission:

Athena Diagnostics
Classification: Uncertain significance. Last evaluated: 2023-05-03. Review status: criteria provided, single submitter. Criteria: Athena Diagnostics Criteria. Collection method: clinical testing. Allele origin: unknown.
Comment: Available data are insufficient to determine the clinical significance of the variant at this time. This variant has not been reported in large, multi-ethnic general populations. Computational tools disagree on the variant's effect on normal protein function.

NM_001267550.2(TTN):c.90586A>G (p.Lys30196Glu)

Genes: TTN (titin; minus strand), TTN-AS1 (TTN antisense RNA 1; plus strand). Cytogenetic location: 2q31.2.
Variant type: single nucleotide variant.
Coding change: c.90586A>G on transcript NM_001267550.2 (MANE Select); coding-DNA position 90586, A replaced by G.
Protein change: p.Lys30196Glu; replaces lysine 30196 with glutamic acid.
Molecular consequence: missense variant.
Genome position (GRCh38, 1-based): chr2:178,552,314, T>C on the plus strand (A>G on the coding strand, the complement: TTN is on the minus strand). VCF-style: chr2-178552314-T-C. GRCh37 (hg19) VCF-style: chr2-179417041-T-C.
Other names: c.85663A>G, p.Lys28555Glu (NM_001256850.1); c.63391A>G, p.Lys21131Glu (NM_003319.4); c.82882A>G, p.Lys27628Glu (NM_133378.4); c.63766A>G, p.Lys21256Glu (NM_133432.3); c.63967A>G, p.Lys21323Glu (NM_133437.4); short protein forms K21131E, K21256E, K21323E, K27628E, K28555E, K30196E.
Identifiers: ClinVar variation 2684099 (VCV002684099.1), dbSNP rs2469286873, ClinGen allele CA349509883.